The following is an entry in ClinVar:

NM_014671.3(UBE3C):c.459-8T>C

Gene: UBE3C (ubiquitin protein ligase E3C; plus strand). Cytogenetic location: 7q36.3.
Variant type: single nucleotide variant.
Coding change: c.459-8T>C on transcript NM_014671.3 (MANE Select); 8 bases into the intron before coding-DNA position 459, T replaced by C.
Molecular consequence: intron variant.
Genome position (GRCh38, 1-based): chr7:157,178,682, T>C. VCF-style: chr7-157178682-T-C. GRCh37 (hg19) VCF-style: chr7-156971376-T-C.
Identifiers: ClinVar variation 3043379 (VCV003043379.2), dbSNP rs199836750, ClinGen allele CA4589543.

ClinVar aggregate classification (germline): Benign (0 of 4 stars; one submission).

Conditions:
UBE3C-related disorder. Also called: UBE3C-related condition.

Allele frequency attached by ClinVar (database versions not stated): ESP Exome Variant Server 0.00038; TOPMed 0.00079; gnomAD 0.00141; gnomAD exomes 0.00231; 1000 Genomes Project 30x 0.00437; ExAC 0.00439; 1000 Genomes Project 0.00519.
gnomAD v4.1: 3,613 of 1,611,542 alleles (0.22%); highest among the groups gnomAD compares: South Asian, 2.7%; 75 homozygotes.

Submission:

PreventionGenetics, part of Exact Sciences
Classification: Benign for UBE3C-related condition. Last evaluated: 2020-02-04. Review status: no assertion criteria provided. Collection method: clinical testing. Allele origin: germline.
Comment: This variant is classified as benign based on ACMG/AMP sequence variant interpretation guidelines (Richards et al. 2015 PMID: 25741868, with internal and published modifications).